The following is an entry in ClinVar:

NM_006593.4(TBR1):c.196_199del (p.Asp66fs)

Gene: TBR1 (T-box brain transcription factor 1; plus strand). Cytogenetic location: 2q24.2.
Variant type: Deletion.
Coding change: c.196_199del on transcript NM_006593.4 (MANE Select); coding-DNA positions 196 to 199, 4 bases deleted (GACA; older notation c.196_199delGACA).
Protein change: p.Asp66fs; shifts the reading frame from aspartic acid 66.
Molecular consequence: frameshift variant.
Genome position (GRCh38, 1-based): chr2:161,416,606-161,416,609, GACA deleted; deleting any 4 consecutive bases within chr2:161,416,603-161,416,609 gives the same sequence; the c. name uses the placement nearest the transcript's 3' end. VCF-style (leftmost placement, unchanged base first): chr2-161416602-TACAG-T. GRCh37 (hg19) VCF-style: chr2-162273113-TACAG-T.
Other names: short protein forms D66fs.
Identifiers: ClinVar variation 1343070 (VCV001343070.8), dbSNP rs2105278194, ClinGen allele CA2573051683.

ClinVar aggregate classification (germline): Pathogenic. Review status: criteria provided, multiple submitters, no conflicts (2 of 4 stars). 5 submissions from 5 submitters: Pathogenic (5). Last evaluated 2026-09-21.

Conditions:
Intellectual developmental disorder with autism and speech delay. Also called: Autism 5; AUTISM-RELATED SPEECH DELAY; PHRASE SPEECH DELAY, AUTISM-RELATED; AUTS5; Autism, susceptibility to, 5. Identifiers: MedGen C1853755, MONDO:0011627, OMIM 606053.

Submissions (5):

MVZ Martinsried, Medicover Genetics
Classification: Pathogenic for Intellectual developmental disorder with autism and speech delay. Last evaluated: 2026-09-21. Review status: criteria provided, single submitter. Criteria: ClinGen Variant Curation SOP V3.2 + Classification Guidance July2025. Collection method: clinical testing. Allele origin: de novo. Affected: yes. Observed: 1 heterozygote.

CeGaT Center for Human Genetics Tuebingen
Classification: Pathogenic. Last evaluated: 2026-05-01. Review status: criteria provided, single submitter. Criteria: CeGaT Center For Human Genetics Tuebingen Variant Classification Criteria Version 2. Collection method: clinical testing. Allele origin: germline. Affected: yes. Observed: 1 variant allele.
Comment: TBR1: PVS1, PM2

Centre of Medical Genetics, University Hospital Muenster
Classification: Pathogenic. Last evaluated: 2022-07-28. Review status: criteria provided, single submitter. Criteria: ACMG Guidelines, 2015. Collection method: clinical testing. Allele origin: unknown. Affected: yes. Observed: 1 variant allele, 1 heterozygote.
Comment: ACMG categories: PVS1,PM2,PP5

GeneDx
Classification: Pathogenic. Last evaluated: 2022-03-04. Review status: criteria provided, single submitter. Criteria: GeneDx Variant Classification Process June 2021. Collection method: clinical testing. Allele origin: germline. Affected: yes.
Comment: Frameshift variant predicted to result in protein truncation or nonsense mediated decay in a gene for which loss-of-function is a known mechanism of disease; Not observed at significant frequency in large population cohorts (gnomAD); Has not been previously published as pathogenic or benign to our knowledge

Juno Genomics, Hangzhou Juno Genomics, Inc
Classification: Pathogenic for Intellectual developmental disorder with autism and speech delay. Review status: criteria provided, single submitter. Criteria: ACMG Guidelines, 2015. Collection method: clinical testing. Allele origin: germline. Affected: yes.
Comment: Absent from controls (or at extremely low frequency if recessive) in Genome Aggregation Database, Exome Sequencing Project, 1000 Genomes Project, or Exome Aggregation Consortium.;Null variant in a gene where loss of function (LOF) is a known mechanism of disease.;Patient's phenotype or family history is highly specific for a disease with a single genetic etiology.